The following is an entry in ClinVar:

NM_005188.4(CBL):c.1221_1227+20del

Gene: CBL (Cbl proto-oncogene; plus strand). Cytogenetic location: 11q23.3.
Variant type: Deletion.
Coding change: c.1221_1227+20del on transcript NM_005188.4 (MANE Select); coding-DNA position 1221 through 20 bases into the intron after coding-DNA position 1227, 27 bases deleted (CTGGCAGGTACGGATCTAAACAGCGAC).
Molecular consequence: splice donor variant.
Genome position (GRCh38, 1-based): chr11:119,278,291-119,278,317, CTGGCAGGTACGGATCTAAACAGCGAC deleted; deleting any 27 consecutive bases within chr11:119,278,290-119,278,317 gives the same sequence; the c. name uses the placement nearest the transcript's 3' end. VCF-style (leftmost placement, unchanged base first): chr11-119278289-TCCTGGCAGGTACGGATCTAAACAGCGA-T. GRCh37 (hg19) VCF-style: chr11-119148999-TCCTGGCAGGTACGGATCTAAACAGCGA-T.
Identifiers: ClinVar variation 3772040 (VCV003772040.13).

ClinVar aggregate classification (germline): Pathogenic (1 of 4 stars; one submission).

Submission:

CeGaT Center for Human Genetics Tuebingen
Classification: Pathogenic. Last evaluated: 2024-12-01. Review status: criteria provided, single submitter. Criteria: CeGaT Center For Human Genetics Tuebingen Variant Classification Criteria Version 2. Collection method: clinical testing. Allele origin: germline. Affected: yes. Observed: 1 variant allele.
Comment: CBL: PVS1, PM2